The following is an entry in ClinVar:

NM_002519.3(NPAT):c.1714T>C (p.Ser572Pro)

Gene: NPAT (nuclear protein, coactivator of histone transcription; minus strand). Cytogenetic location: 11q22.3.
Variant type: single nucleotide variant.
Coding change: c.1714T>C on transcript NM_002519.3 (MANE Select); coding-DNA position 1714, T replaced by C.
Protein change: p.Ser572Pro; replaces serine 572 with proline.
Molecular consequence: missense variant.
Genome position (GRCh38, 1-based): chr11:108,173,270, A>G on the plus strand (T>C on the coding strand, the complement: NPAT is on the minus strand). VCF-style: chr11-108173270-A-G. GRCh37 (hg19) VCF-style: chr11-108043997-A-G.
Other names: c.1714T>C, p.Ser572Pro (NM_001321307.1); short protein forms S572P.
Identifiers: ClinVar variation 3222486 (VCV003222486.1), dbSNP rs1004601123, ClinGen allele CA228384423.

ClinVar aggregate classification (germline): Uncertain significance (1 of 4 stars; one submission).

Submission:

Ambry Genetics
Classification: Uncertain significance. Last evaluated: 2024-01-11. Review status: criteria provided, single submitter. Criteria: Ambry Variant Classification Scheme 2023. Collection method: clinical testing. Allele origin: germline.
Comment: The p.S572P variant (also known as c.1714T>C), located in coding exon 13 of the NPAT gene, results from a T to C substitution at nucleotide position 1714. The serine at codon 572 is replaced by proline, an amino acid with similar properties. This amino acid position is conserved. In addition, this alteration is predicted to be tolerated by in silico analysis. Since supporting evidence is limited at this time, the clinical significance of this alteration remains unclear.